The following is an entry in ClinVar:

ClinVar aggregate classification (germline): Uncertain significance (1 of 4 stars; one submission).

Conditions:
Inborn genetic diseases. Identifiers: MedGen C0950123, MeSH D030342.

gnomAD v4.1: 4 of 1,614,078 alleles (0.00025%); highest among the groups gnomAD compares: Non-Finnish European, 0.00025%; no homozygotes.

Submission:

Ambry Genetics
Classification: Uncertain significance for Inborn genetic diseases. Last evaluated: 2024-11-24. Review status: criteria provided, single submitter. Criteria: Ambry Variant Classification Scheme 2023. Collection method: clinical testing. Allele origin: germline.
Comment: The p.I1236V variant (also known as c.3706A>G), located in coding exon 17 of the MECOM gene, results from an A to G substitution at nucleotide position 3706. The isoleucine at codon 1236 is replaced by valine, an amino acid with highly similar properties. This amino acid position is conserved. In addition, this alteration is predicted to be tolerated by in silico analysis. Based on the available evidence, the clinical significance of this variant remains unclear.

NM_004991.4(MECOM):c.3706A>G (p.Ile1236Val)

Gene: MECOM (MDS1 and EVI1 complex locus; minus strand). Cytogenetic location: 3q26.2.
Variant type: single nucleotide variant.
Coding change: c.3706A>G on transcript NM_004991.4 (MANE Select); coding-DNA position 3706, A replaced by G.
Protein change: p.Ile1236Val; replaces isoleucine 1236 with valine.
Molecular consequence: missense variant.
Genome position (GRCh38, 1-based): chr3:169,084,923, T>C on the plus strand (A>G on the coding strand, the complement: MECOM is on the minus strand). VCF-style: chr3-169084923-T-C. GRCh37 (hg19) VCF-style: chr3-168802711-T-C.
Other names: c.3337A>G, p.Ile1113Val (NM_001105077.4); c.3142A>G, p.Ile1048Val (NM_001105078.4, NM_001205194.2, NM_001366469.2 and 1 more transcripts); c.3118A>G, p.Ile1040Val (NM_001163999.2, NM_001366470.2); c.3115A>G, p.Ile1039Val (NM_001164000.2, NM_001366471.2, NM_001366472.2); c.3679A>G, p.Ile1227Val (NM_001366466.2); c.3145A>G, p.Ile1049Val (NM_001366467.2, NM_001366468.2); c.2707A>G, p.Ile903Val (NM_001366473.2); c.2143A>G, p.Ile715Val (NM_001366474.2); short protein forms I1039V, I1049V, I715V, I1040V, I1113V, I1236V, I1227V, I1048V.
Identifiers: ClinVar variation 3394302 (VCV003394302.1).